The following is an entry in ClinVar:

ClinVar aggregate classification (germline): Likely pathogenic (1 of 4 stars; one submission).

Conditions:
Primary dilated cardiomyopathy (DCM). Also called: Dilated Cardiomyopathy. Identifiers: Orphanet 217604, MedGen C0007193, MeSH D002311, MONDO:0005021, HP:0001644. Inheritance: Various modes of inheritance.

Submission:

Laboratory for Molecular Medicine, Mass General Brigham Personalized Medicine
Classification: Likely pathogenic for Primary dilated cardiomyopathy. Last evaluated: 2017-09-04. Review status: criteria provided, single submitter. Criteria: LMM Criteria. Collection method: clinical testing. Allele origin: germline. Inheritance: Autosomal dominant inheritance. Observed: 1 variant allele.
Comment: The p.Pro24606fs variant in TTN has not been previously reported in individuals with DCM or in large population studies. This variant is predicted to cause a fr ameshift, which alters the protein?s amino acid sequence beginning at position 2 4606 and leads to a premature termination codon 15 amino acids downstream. This alteration is then predicted to lead to a truncated or absent protein. Frameshif t and other truncating variants in TTN are strongly associated with DCM if they impact the exons encoding for the A-band (Herman 2012, Pugh 2014) and/or are loc ated in an exon that is highly expressed in the heart (Roberts 2015). The p.Pro2 4606fs variant is located in the A-band in the highly expressed exon 275. In sum mary, although additional studies are required to fully establish its clinical s ignificance, the p.Pro24606fs variant is likely pathogenic.

NM_001267550.2(TTN):c.81521del (p.Pro27174fs)

Genes: TTN (titin; minus strand), TTN-AS1 (TTN antisense RNA 1; plus strand). Cytogenetic location: 2q31.2.
Variant type: Deletion.
Coding change: c.81521del on transcript NM_001267550.2 (MANE Select); coding-DNA position 81521, one base deleted (C; older notation c.81521delC).
Protein change: p.Pro27174fs; shifts the reading frame from proline 27174.
Molecular consequence: frameshift variant.
Genome position (GRCh38, 1-based): chr2:178,564,611, G deleted on the plus strand (C on the coding strand, the reverse complement: TTN is on the minus strand); the first of 2 consecutive G bases (chr2:178,564,611-178,564,612); deleting either gives the same sequence. VCF-style (leftmost placement, unchanged base first): chr2-178564610-AG-A. GRCh37 (hg19) VCF-style: chr2-179429337-AG-A.
Other names: c.73817delC (NM_133378.4); c.76598del, p.Pro25533fs (NM_001256850.1); c.54326del, p.Pro18109fs (NM_003319.4); c.73817del, p.Pro24606fs (NM_133378.4); c.54701del, p.Pro18234fs (NM_133432.3); c.54902del, p.Pro18301fs (NM_133437.4); short protein forms P25533fs, P18234fs, P18301fs, P27174fs, P18109fs, P24606fs.
Identifiers: ClinVar variation 506135 (VCV000506135.5), dbSNP rs1553577362, ClinGen allele CA658796020.